The following is an entry in ClinVar:

ClinVar aggregate classification (germline): Uncertain significance. Review status: criteria provided, multiple submitters, no conflicts (2 of 4 stars). 2 submissions from 2 submitters: Uncertain significance (2). Last evaluated 2024-09-18.

Conditions:
Hypokalemic periodic paralysis, type 1. Also called: Hypokalemic Periodic Paralysis Type 1 (AD); HypoPP. Identifiers: Orphanet 681, MedGen C3714580, MONDO:0042979, OMIM 170400.
Malignant hyperthermia, susceptibility to, 5 (MHS5). Also called: CACNA1S-Related Malignant Hyperthermia Susceptibility. Identifiers: Orphanet 423, MedGen C1866077, MONDO:0011163, OMIM 601887.

Allele frequency attached by ClinVar (database versions not stated): gnomAD 0.00002; ExAC 0.00005.
gnomAD v4.1: 18 of 1,614,092 alleles (0.0011%); highest among the groups gnomAD compares: South Asian, 0.0066%; no homozygotes.

Submissions (2):

Labcorp Genetics (formerly Invitae), Labcorp
Classification: Uncertain significance for Hypokalemic periodic paralysis, type 1; Malignant hyperthermia, susceptibility to, 5. Last evaluated: 2024-09-18. Review status: criteria provided, single submitter. Criteria: Invitae Variant Classification Sherloc (09022015). Collection method: clinical testing. Allele origin: germline.
Comment: This sequence change replaces glutamic acid, which is acidic and polar, with lysine, which is basic and polar, at codon 1014 of the CACNA1S protein (p.Glu1014Lys). This variant is present in population databases (rs776712220, gnomAD 0.006%). This variant has not been reported in the literature in individuals affected with CACNA1S-related conditions. Invitae Evidence Modeling of protein sequence and biophysical properties (such as structural, functional, and spatial information, amino acid conservation, physicochemical variation, residue mobility, and thermodynamic stability) indicates that this missense variant is expected to disrupt CACNA1S protein function with a positive predictive value of 80%. Experimental studies have shown that this missense change affects CACNA1S function (PMID: 15849247, 25717360). In summary, the available evidence is currently insufficient to determine the role of this variant in disease. Therefore, it has been classified as a Variant of Uncertain Significance.

All of Us Research Program, National Institutes of Health
Classification: Uncertain significance for Malignant hyperthermia, susceptibility to, 5. Last evaluated: 2024-01-11. Review status: criteria provided, single submitter. Criteria: ACMG Guidelines, 2015. Collection method: clinical testing. Allele origin: germline. Inheritance: Autosomal dominant inheritance. Observed: 1 variant allele, 1 heterozygote.
Comment: This study involves interpretation of variants in research participants for the purpose of population health screening. Participant phenotype was not available at the time of variant classification. Additional details can be found in publication PMID: 35346344, PMCID: PMC8962531

Literature cited by the submitters: PubMed 15849247 (cited by Labcorp Genetics (formerly Invitae), Labcorp); PubMed 25717360 (cited by Labcorp Genetics (formerly Invitae), Labcorp).

NM_000069.3(CACNA1S):c.3040G>A (p.Glu1014Lys)

Gene: CACNA1S (calcium voltage-gated channel subunit alpha1 S; minus strand). Cytogenetic location: 1q32.1.
Variant type: single nucleotide variant.
Coding change: c.3040G>A on transcript NM_000069.3 (MANE Select); coding-DNA position 3040, G replaced by A.
Protein change: p.Glu1014Lys; replaces glutamic acid 1014 with lysine.
Molecular consequence: missense variant.
Genome position (GRCh38, 1-based): chr1:201,061,957, C>T on the plus strand (G>A on the coding strand, the complement: CACNA1S is on the minus strand). VCF-style: chr1-201061957-C-T. GRCh37 (hg19) VCF-style: chr1-201031085-C-T.
Other names: short protein forms E1014K.
Identifiers: ClinVar variation 3075226 (VCV003075226.3), dbSNP rs776712220, ClinGen allele CA079492.